The following is an entry in ClinVar:

ClinVar aggregate classification (germline): Uncertain significance (1 of 4 stars; one submission).

gnomAD v4.1: 12 of 1,613,924 alleles (0.00074%); highest among the groups gnomAD compares: Non-Finnish European, 0.001%; no homozygotes.

Submission:

GeneDx
Classification: Uncertain significance. Last evaluated: 2025-07-25. Review status: criteria provided, single submitter. Criteria: GeneDx Variant Classification Process June 2021. Collection method: clinical testing. Allele origin: germline.
Comment: Not observed at significant frequency in large population cohorts (gnomAD); In silico analysis suggests that this missense variant does not alter protein structure/function; Has not been previously published as pathogenic or benign to our knowledge

NM_001286445.3(RIPOR2):c.1100G>A (p.Arg367Lys)

Gene: RIPOR2 (RHO family interacting cell polarization regulator 2; minus strand). Cytogenetic location: 6p22.3.
Variant type: single nucleotide variant.
Coding change: c.1100G>A on transcript NM_001286445.3 (MANE Select); coding-DNA position 1100, G replaced by A.
Protein change: p.Arg367Lys; replaces arginine 367 with lysine.
Molecular consequence: missense variant.
Genome position (GRCh38, 1-based): chr6:24,848,089, C>T on the plus strand (G>A on the coding strand, the complement: RIPOR2 is on the minus strand). VCF-style: chr6-24848089-C-T. GRCh37 (hg19) VCF-style: chr6-24848317-C-T.
Other names: c.1115G>A, p.Arg372Lys (NM_001286446.3); c.1013G>A, p.Arg338Lys (NM_001286447.2, NM_001346031.2, NM_001346032.2 and 2 more transcripts); short protein forms R367K, R338K, R372K.
Identifiers: ClinVar variation 3572492 (VCV003572492.2).